The following is an entry in ClinVar:

ClinVar aggregate classification (germline): Uncertain significance. Review status: criteria provided, multiple submitters, no conflicts (2 of 4 stars). 2 submissions from 2 submitters: Uncertain significance (2). Last evaluated 2026-06-12.

gnomAD v4.1: 38 of 1,613,902 alleles (0.0024%); highest among the groups gnomAD compares: African/African-American, 0.045%; no homozygotes.

Submissions (2):

Women's Health and Genetics/Laboratory Corporation of America, LabCorp
Classification: Uncertain significance. Last evaluated: 2026-06-12. Review status: criteria provided, single submitter. Criteria: LabCorp Variant Classification Summary - May 2015. Collection method: clinical testing. Allele origin: germline.
Comment: Variant summary: NR3C2 c.2735A>G (p.Asn912Ser) results in a conservative amino acid change in the encoded protein sequence. Algorithms developed to predict the effect of missense changes on protein structure and function are either unavailable or do not agree on the potential impact of this missense change. The variant allele was found at a frequency of 4e-05 in 251002 control chromosomes. This frequency is not significantly higher than estimated for disease-causing variants in NR3C2, allowing no conclusion about variant significance. To our knowledge, no occurrence of c.2735A>G in individuals affected with NR3C2-related conditions and no experimental evidence demonstrating its impact on protein function have been reported. ClinVar contains an entry for this variant (Variation ID: 4747926). Based on the evidence outlined above, the variant was classified as uncertain significance.

Labcorp Genetics (formerly Invitae), Labcorp
Classification: Uncertain significance. Last evaluated: 2025-06-12. Review status: criteria provided, single submitter. Criteria: Invitae Variant Classification Sherloc (09022015). Collection method: clinical testing. Allele origin: germline.
Comment: This sequence change replaces asparagine, which is neutral and polar, with serine, which is neutral and polar, at codon 912 of the NR3C2 protein (p.Asn912Ser). This variant is present in population databases (rs149541750, gnomAD 0.04%). This variant has not been reported in the literature in individuals affected with NR3C2-related conditions. Invitae Evidence Modeling of protein sequence and biophysical properties (such as structural, functional, and spatial information, amino acid conservation, physicochemical variation, residue mobility, and thermodynamic stability) indicates that this missense variant is not expected to disrupt NR3C2 protein function with a negative predictive value of 80%. In summary, the available evidence is currently insufficient to determine the role of this variant in disease. Therefore, it has been classified as a Variant of Uncertain Significance.

NM_000901.5(NR3C2):c.2735A>G (p.Asn912Ser)

Gene: NR3C2 (nuclear receptor subfamily 3 group C member 2; minus strand). Cytogenetic location: 4q31.23.
Variant type: single nucleotide variant.
Coding change: c.2735A>G on transcript NM_000901.5 (MANE Select); coding-DNA position 2735, A replaced by G.
Protein change: p.Asn912Ser; replaces asparagine 912 with serine.
Molecular consequence: missense variant. On other transcripts: non-coding transcript variant (1).
Genome position (GRCh38, 1-based): chr4:148,114,168, T>C on the plus strand (A>G on the coding strand, the complement: NR3C2 is on the minus strand). VCF-style: chr4-148114168-T-C. GRCh37 (hg19) VCF-style: chr4-149035319-T-C.
Other names: c.2384A>G, p.Asn795Ser (NM_001166104.2, NM_001354819.1); c.2735A>G, p.Asn912Ser (NM_001437654.1, NM_001437655.1, NM_001437656.1); c.2747A>G, p.Asn916Ser (NM_001437657.1); short protein forms N795S, N912S, N916S.
Identifiers: ClinVar variation 4747926 (VCV004747926.2).